The following is an entry in ClinVar:

ClinVar aggregate classification (germline): Uncertain significance (1 of 4 stars; one submission).

Conditions:
Hereditary motor and sensory neuropathy, Okinawa type (HMSNO). Also called: HEREDITARY MOTOR AND SENSORY NEUROPATHY, PROXIMAL TYPE. Identifiers: Orphanet 90117, MedGen C1858338, MONDO:0011468, OMIM 604484.
Hereditary spastic paraplegia 57. Also called: Spastic paraplegia 57, autosomal recessive. Identifiers: Orphanet 431329, MedGen C3714897, MONDO:0014295, OMIM 615658.

Allele frequency attached by ClinVar (database versions not stated): TOPMed 0.00001.

Submission:

Labcorp Genetics (formerly Invitae), Labcorp
Classification: Uncertain significance for Hereditary motor and sensory neuropathy, Okinawa type; Hereditary spastic paraplegia 57. Last evaluated: 2023-08-04. Review status: criteria provided, single submitter. Criteria: Invitae Variant Classification Sherloc (09022015). Collection method: clinical testing. Allele origin: germline.
Comment: In summary, the available evidence is currently insufficient to determine the role of this variant in disease. Therefore, it has been classified as a Variant of Uncertain Significance. Advanced modeling of protein sequence and biophysical properties (such as structural, functional, and spatial information, amino acid conservation, physicochemical variation, residue mobility, and thermodynamic stability) performed at Invitae indicates that this missense variant is expected to disrupt TFG protein function. ClinVar contains an entry for this variant (Variation ID: 1990667). This variant has not been reported in the literature in individuals affected with TFG-related conditions. This variant is not present in population databases (gnomAD no frequency). This sequence change replaces lysine, which is basic and polar, with glutamic acid, which is acidic and polar, at codon 59 of the TFG protein (p.Lys59Glu).

NM_006070.6(TFG):c.175A>G (p.Lys59Glu)

Gene: TFG (trafficking from ER to golgi regulator; plus strand). Cytogenetic location: 3q12.2.
Variant type: single nucleotide variant.
Coding change: c.175A>G on transcript NM_006070.6 (MANE Select); coding-DNA position 175, A replaced by G.
Protein change: p.Lys59Glu; replaces lysine 59 with glutamic acid.
Molecular consequence: missense variant.
Genome position (GRCh38, 1-based): chr3:100,713,860, A>G. VCF-style: chr3-100713860-A-G. GRCh37 (hg19) VCF-style: chr3-100432704-A-G.
Other names: c.175A>G, p.Lys59Glu (NM_001007565.2, NM_001195478.2, NM_001195479.2); short protein forms K59E.
Identifiers: ClinVar variation 1990667 (VCV001990667.4), dbSNP rs1232918261, ClinGen allele CA353837281.